The following is an entry in ClinVar:

ClinVar aggregate classification (germline): Uncertain significance (1 of 4 stars; one submission).

Conditions:
EAST syndrome (SESAMES). Also called: SEIZURES, SENSORINEURAL DEAFNESS, ATAXIA, IMPAIRED INTELLECTUAL DEVELOPMENT, AND ELECTROLYTE IMBALANCE. Identifiers: Orphanet 199343, MedGen C2748572, MONDO:0013005, OMIM 612780.

Allele frequency attached by ClinVar (database versions not stated): gnomAD exomes below 0.00001.

Submission:

Labcorp Genetics (formerly Invitae), Labcorp
Classification: Uncertain significance for EAST syndrome. Last evaluated: 2020-02-26. Review status: criteria provided, single submitter. Criteria: Invitae Variant Classification Sherloc (09022015). Collection method: clinical testing. Allele origin: germline.
Comment: This sequence change affects the initiator methionine of the KCNJ10 mRNA. The next in-frame methionine is located at codon 21. This variant is not present in population databases (ExAC no frequency). This variant has not been reported in the literature in individuals with KCNJ10-related conditions. Algorithms developed to predict the effect of sequence changes on RNA splicing suggest that this variant may create or strengthen a splice site, but this prediction has not been confirmed by published transcriptional studies. In summary, the available evidence is currently insufficient to determine the role of this variant in disease. Therefore, it has been classified as a Variant of Uncertain Significance.

NM_002241.5(KCNJ10):c.1A>G (p.Met1Val)

Gene: KCNJ10 (potassium inwardly rectifying channel subfamily J member 10; minus strand). Cytogenetic location: 1q23.2.
Variant type: single nucleotide variant.
Coding change: c.1A>G on transcript NM_002241.5 (MANE Select); coding-DNA position 1, A replaced by G.
Protein change: p.Met1Val; changes the start codon (methionine 1).
Molecular consequence: missense variant, initiator codon variant.
Genome position (GRCh38, 1-based): chr1:160,042,532, T>C on the plus strand (A>G on the coding strand, the complement: KCNJ10 is on the minus strand). VCF-style: chr1-160042532-T-C. GRCh37 (hg19) VCF-style: chr1-160012322-T-C.
Other names: short protein forms M1V.
Identifiers: ClinVar variation 1025196 (VCV001025196.11), dbSNP rs1260852127, ClinGen allele CA343231574.